The following is an entry in ClinVar:

ClinVar aggregate classification (germline): Likely pathogenic (1 of 4 stars; one submission).

Submission:

Labcorp Genetics (formerly Invitae), Labcorp
Classification: Likely pathogenic. Last evaluated: 2022-08-23. Review status: criteria provided, single submitter. Criteria: Invitae Variant Classification Sherloc (09022015). Collection method: clinical testing. Allele origin: germline.
Comment: This sequence change replaces arginine, which is basic and polar, with leucine, which is neutral and non-polar, at codon 1314 of the ABCC6 protein (p.Arg1314Leu). This variant is not present in population databases (gnomAD no frequency). This missense change has been observed in individual(s) with pseudoxanthoma elasticum (PMID: 33812167). Advanced modeling of protein sequence and biophysical properties (such as structural, functional, and spatial information, amino acid conservation, physicochemical variation, residue mobility, and thermodynamic stability) performed at Invitae indicates that this missense variant is expected to disrupt ABCC6 protein function. This variant disrupts the p.Arg1314 amino acid residue in ABCC6. Other variant(s) that disrupt this residue have been determined to be pathogenic (PMID: 10835642, 16835894, 19339160, 29722917, 30537162). This suggests that this residue is clinically significant, and that variants that disrupt this residue are likely to be disease-causing. In summary, the currently available evidence indicates that the variant is pathogenic, but additional data are needed to prove that conclusively. Therefore, this variant has been classified as Likely Pathogenic.

Literature cited by the submitters: PubMed 33812167; PubMed 10835642; PubMed 16835894; PubMed 19339160; PubMed 29722917; PubMed 30537162.

NM_001171.6(ABCC6):c.3941G>T (p.Arg1314Leu)

Gene: ABCC6 (ATP binding cassette subfamily C member 6; minus strand). Cytogenetic location: 16p13.11.
Variant type: single nucleotide variant.
Coding change: c.3941G>T on transcript NM_001171.6 (MANE Select); coding-DNA position 3941, G replaced by T.
Protein change: p.Arg1314Leu; replaces arginine 1314 with leucine.
Molecular consequence: missense variant. On other transcripts: non-coding transcript variant (1).
Genome position (GRCh38, 1-based): chr16:16,154,973, C>A on the plus strand (G>T on the coding strand, the complement: ABCC6 is on the minus strand). VCF-style: chr16-16154973-C-A. GRCh37 (hg19) VCF-style: chr16-16248830-C-A.
Other names: c.3599G>T, p.Arg1200Leu (NM_001351800.1); short protein forms R1314L, R1200L.
Identifiers: ClinVar variation 2036896 (VCV002036896.4), dbSNP rs63751086, ClinGen allele CA394875858.